The following is an entry in ClinVar:

ClinVar aggregate classification (germline): Conflicting classifications of pathogenicity. Review status: criteria provided, conflicting classifications (1 of 4 stars). 3 submissions from 3 submitters: Pathogenic (1); Benign (1); Likely benign (1). Last evaluated 2026-01-23.

Conditions:
Myeloproliferative neoplasm, unclassifiable. Identifiers: Orphanet 86830, MedGen C1333046, MONDO:0019452.

Allele frequency attached by ClinVar (database versions not stated): ESP Exome Variant Server 0.00100; gnomAD exomes 0.00989; gnomAD 0.01254; ExAC 0.02598; 1000 Genomes Project 30x 0.04809; 1000 Genomes Project 0.04852.
gnomAD v4.1: 16,447 of 1,614,004 alleles (1%); highest among the groups gnomAD compares: Admixed American, 10%; 755 homozygotes.

Submissions (3):

Women's Health and Genetics/Laboratory Corporation of America, LabCorp
Classification: Likely benign. Last evaluated: 2026-01-23. Review status: criteria provided, single submitter. Criteria: LabCorp Variant Classification Summary - May 2015. Collection method: clinical testing. Allele origin: germline.

Unidad de Genómica Garrahan, Hospital de Pediatría Garrahan
Classification: Benign. Last evaluated: 2024-01-24. Review status: criteria provided, single submitter. Criteria: ACMG Guidelines, 2015. Collection method: clinical testing. Allele origin: germline. Affected: no. Observed: 20 variant alleles.
Comment: This variant is classified as Benign based on local population frequency. This variant was detected in 21% of patients studied by a panel of primary immunodeficiencies. Number of patients: 20. Only high quality variants are reported.

Dept. of Cytogenetics, ICMR- National Institute of Immunohaematology
Classification: Pathogenic for Myeloproliferative neoplasm, unclassifiable. Last evaluated: 2022-08-25. Review status: criteria provided, single submitter. Criteria: Oncogenicity SOP (ClinGen, CGC, VICC guidelines) 2022. Collection method: clinical testing. Allele origin: somatic. Affected: yes. Observed: 4 variant alleles.

NM_002221.4(ITPKB):c.964G>A (p.Ala322Thr)

Gene: ITPKB (inositol-trisphosphate 3-kinase B; minus strand). Cytogenetic location: 1q42.12.
Variant type: single nucleotide variant.
Coding change: c.964G>A on transcript NM_002221.4 (MANE Select); coding-DNA position 964, G replaced by A.
Protein change: p.Ala322Thr; replaces alanine 322 with threonine.
Molecular consequence: missense variant.
Genome position (GRCh38, 1-based): chr1:226,736,495, C>T on the plus strand (G>A on the coding strand, the complement: ITPKB is on the minus strand). VCF-style: chr1-226736495-C-T. GRCh37 (hg19) VCF-style: chr1-226924196-C-T.
Other names: c.964G>A, p.Ala322Thr (NM_001388404.1); short protein forms A322T.
Identifiers: ClinVar variation 1705889 (VCV001705889.5), dbSNP rs3754413, ClinGen allele CA1424050.